The following is an entry in ClinVar:

ClinVar aggregate classification (germline): Uncertain significance (1 of 4 stars; one submission).

Conditions:
Developmental and epileptic encephalopathy, 2 (DEE2). Also called: INFANTILE SPASM SYNDROME, X-LINKED 2; CDKL5 deficiency disorder. Identifiers: Orphanet 1934, Orphanet 3451, Orphanet 505652, MedGen C4750718, MONDO:0010396, OMIM 300672.
Angelman syndrome-like. Identifiers: MedGen CN128785.

Submission:

Labcorp Genetics (formerly Invitae), Labcorp
Classification: Uncertain significance for Developmental and epileptic encephalopathy, 2; Angelman syndrome-like. Last evaluated: 2023-02-20. Review status: criteria provided, single submitter. Criteria: Invitae Variant Classification Sherloc (09022015). Collection method: clinical testing. Allele origin: germline.
Comment: This sequence change replaces cysteine, which is neutral and slightly polar, with serine, which is neutral and polar, at codon 975 of the CDKL5 protein (p.Cys975Ser). This variant is not present in population databases (gnomAD no frequency). This variant has not been reported in the literature in individuals affected with CDKL5-related conditions. Advanced modeling of protein sequence and biophysical properties (such as structural, functional, and spatial information, amino acid conservation, physicochemical variation, residue mobility, and thermodynamic stability) performed at Invitae indicates that this missense variant is not expected to disrupt CDKL5 protein function. In summary, the available evidence is currently insufficient to determine the role of this variant in disease. Therefore, it has been classified as a Variant of Uncertain Significance.

NC_000023.11:g.18650535T>A

Genes: CDKL5 (cyclin dependent kinase like 5; plus strand), RS1 (retinoschisin 1; minus strand). Cytogenetic location: Xp22.13.
Variant type: single nucleotide variant.
Molecular consequence: intron variant (on NM_000330.4). On other transcripts: missense variant (2).
Genome position: GRCh38 VCF-style: chrX-18650535-T-A. GRCh37 (hg19) VCF-style: chrX-18668655-T-A.
Other names: c.2923T>A, p.Cys975Ser (NM_001037343.2, NM_003159.3); c.185-3203A>T (NM_000330.4); short protein forms C975S.
Identifiers: ClinVar variation 2944551 (VCV002944551.3), dbSNP rs2518930620, ClinGen allele CA412373679.